The following is an entry in ClinVar:

ClinVar aggregate classification (germline): Uncertain significance. Review status: criteria provided, multiple submitters, no conflicts (2 of 4 stars). 2 submissions from 2 submitters: Uncertain significance (2). Last evaluated 2024-08-25.

Conditions:
Type 2 diabetes mellitus. Also called: Type II diabetes mellitus. Identifiers: MedGen C0011860, MeSH D003924, MONDO:0005148, OMIM 125853, HP:0005978.
Leucine-induced hypoglycemia (LIH). Also called: LEUCINE-SENSITIVE HYPOGLYCEMIA OF INFANCY. Identifiers: MedGen C0271714, MONDO:0009415, OMIM 240800.
Diabetes mellitus, permanent neonatal 3. Also called: ABCC8-Related Permanent Neonatal Diabetes Mellitus. Identifiers: MedGen C5394303, MONDO:0030088, OMIM 618857.
Diabetes mellitus, transient neonatal, 2 (TNDM2). Identifiers: Orphanet 99886, MedGen C1835887, MONDO:0012480, OMIM 610374. Disease mechanism: loss of function.
Hyperinsulinemic hypoglycemia, familial, 1 (HHF1). Also called: NESIDIOBLASTOSIS OF PANCREAS; Persistent hyperinsulinemic hypoglycemia of infancy; HYPERINSULINISM, FAMILIAL, WITH PANCREATIC NESIDIOBLASTOSIS; HYPOGLYCEMIA, HYPERINSULINEMIC, OF INFANCY; Persistent Hyperinsulinemia Hypoglycemia of Infancy. Identifiers: Orphanet 276575, Orphanet 276598, MedGen C2931832, MONDO:0009734, OMIM 256450.

gnomAD v4.1: 15 of 1,610,242 alleles (0.00093%); highest among the groups gnomAD compares: East Asian, 0.0022%; no homozygotes.

Submissions (2):

Labcorp Genetics (formerly Invitae), Labcorp
Classification: Uncertain significance. Last evaluated: 2024-08-25. Review status: criteria provided, single submitter. Criteria: Invitae Variant Classification Sherloc (09022015). Collection method: clinical testing. Allele origin: germline.
Comment: This sequence change replaces aspartic acid, which is acidic and polar, with asparagine, which is neutral and polar, at codon 760 of the ABCC8 protein (p.Asp760Asn). The frequency data for this variant in the population databases is considered unreliable, as metrics indicate poor data quality at this position in the gnomAD database. This variant has not been reported in the literature in individuals affected with ABCC8-related conditions. An algorithm developed to predict the effect of missense changes on protein structure and function outputs the following: PolyPhen-2: "Benign". The asparagine amino acid residue is found in multiple mammalian species, which suggests that this missense change does not adversely affect protein function. In summary, the available evidence is currently insufficient to determine the role of this variant in disease. Therefore, it has been classified as a Variant of Uncertain Significance.

Fulgent Genetics
Classification: Uncertain significance for Type 2 diabetes mellitus; Leucine-induced hypoglycemia; Hyperinsulinemic hypoglycemia, familial, 1; Diabetes mellitus, transient neonatal, 2; Diabetes mellitus, permanent neonatal 3. Last evaluated: 2024-04-10. Review status: criteria provided, single submitter. Criteria: ACMG Guidelines, 2015. Collection method: clinical testing. Allele origin: germline.

NM_000352.6(ABCC8):c.2278G>A (p.Asp760Asn)

Gene: ABCC8 (ATP binding cassette subfamily C member 8; minus strand). Cytogenetic location: 11p15.1.
Variant type: single nucleotide variant.
Coding change: c.2278G>A on transcript NM_000352.6 (MANE Select); coding-DNA position 2278, G replaced by A.
Protein change: p.Asp760Asn; replaces aspartic acid 760 with asparagine.
Molecular consequence: missense variant. On other transcripts: non-coding transcript variant (1).
Genome position (GRCh38, 1-based): chr11:17,415,317, C>T on the plus strand (G>A on the coding strand, the complement: ABCC8 is on the minus strand). VCF-style: chr11-17415317-C-T. GRCh37 (hg19) VCF-style: chr11-17436864-C-T.
Other names: c.2281G>A, p.Asp761Asn (NM_001287174.3); c.2344G>A, p.Asp782Asn (NM_001351295.2); c.2278G>A, p.Asp760Asn (NM_001351296.2); c.2275G>A, p.Asp759Asn (NM_001351297.2); short protein forms D760N, D759N, D761N, D782N.
Identifiers: ClinVar variation 3599371 (VCV003599371.2).